The following is an entry in ClinVar:

ClinVar aggregate classification (germline): Uncertain significance (1 of 4 stars; one submission).

Conditions:
Hypertrophic cardiomyopathy. Also called: HYPERTROPHIC MYOCARDIOPATHY. Identifiers: Orphanet 217569, MedGen C0007194, MeSH D002312, MONDO:0005045, HP:0001639.

Submission:

Labcorp Genetics (formerly Invitae), Labcorp
Classification: Uncertain significance for Hypertrophic cardiomyopathy. Last evaluated: 2025-12-17. Review status: criteria provided, single submitter. Criteria: Invitae Variant Classification Sherloc (09022015). Collection method: clinical testing. Allele origin: germline.
Comment: This variant, c.5008_5009insGTGGCC, is a complex sequence change that results in the deletion of 1 and insertion of 3 amino acid(s) in the MYH7 protein (p.Asn1670delinsSerGlyHis). This variant is not present in population databases (gnomAD no frequency). This variant has not been reported in the literature in individuals affected with MYH7-related conditions. Experimental studies and prediction algorithms are not available or were not evaluated, and the functional significance of this variant is currently unknown. In summary, the available evidence is currently insufficient to determine the role of this variant in disease. Therefore, it has been classified as a Variant of Uncertain Significance.

NM_000257.4(MYH7):c.5008_5009insGTGGCC (p.Asn1670delinsSerGlyHis)

Genes: MHRT (myosin heavy chain associated RNA transcript; plus strand), MYH7 (myosin heavy chain 7; minus strand), LOC126861897 (BRD4-independent group 4 enhancer GRCh37_chr14:23884455-23885654; plus strand). Cytogenetic location: 14q11.2.
Variant type: Insertion.
Coding change: c.5008_5009insGTGGCC on transcript NM_000257.4 (MANE Select); coding-DNA positions 5008 to 5009, GTGGCC inserted.
Protein change: p.Asn1670delinsSerGlyHis.
Molecular consequence: inframe indel. On other transcripts: non-coding transcript variant (1).
Genome position: GRCh38 VCF-style: chr14-23415777-T-TGGCCAC. GRCh37 (hg19) VCF-style: chr14-23884986-T-TGGCCAC.
Other names: c.5008_5009insGTGGCC, p.Asn1670delinsSerGlyHis (NM_001407004.1).
Identifiers: ClinVar variation 4733538 (VCV004733538.1).